The following is an entry in ClinVar:

ClinVar aggregate classification (germline): Uncertain significance. Review status: criteria provided, multiple submitters, no conflicts (2 of 4 stars). 2 submissions from 2 submitters: Uncertain significance (2). Last evaluated 2025-05-27.

Conditions:
PLXNA1-related disorder. Also called: PLXNA1-related condition.

Allele frequency attached by ClinVar (database versions not stated): gnomAD 0.00001; TOPMed 0.00002.
gnomAD v4.1: 15 of 1,612,748 alleles (0.00093%); highest among the groups gnomAD compares: African/African-American, 0.0093%; no homozygotes.

Submissions (2):

PreventionGenetics, part of Exact Sciences
Classification: Uncertain significance for PLXNA1-related condition. Last evaluated: 2025-05-27. Review status: criteria provided, single submitter. Criteria: ACMG Guidelines, 2015. Collection method: clinical testing. Allele origin: germline.
Comment: The PLXNA1 c.2962G>A variant is predicted to result in the amino acid substitution p.Ala988Thr. To our knowledge, this variant has not been reported in the literature. This variant is reported in 0.012% of alleles in individuals of African descent in gnomAD. At this time, the clinical significance of this variant is uncertain due to the absence of conclusive functional and genetic evidence.

Ambry Genetics
Classification: Uncertain significance. Last evaluated: 2022-09-26. Review status: criteria provided, single submitter. Criteria: Ambry Variant Classification Scheme 2023. Collection method: clinical testing. Allele origin: germline.

NM_032242.4(PLXNA1):c.2962G>A (p.Ala988Thr)

Genes: PLXNA1 (plexin A1; plus strand), LOC129937476 (ATAC-STARR-seq lymphoblastoid active region 20450; plus strand). Cytogenetic location: 3q21.3.
Variant type: single nucleotide variant.
Coding change: c.2962G>A on transcript NM_032242.4 (MANE Select); coding-DNA position 2962, G replaced by A.
Protein change: p.Ala988Thr; replaces alanine 988 with threonine.
Molecular consequence: missense variant.
Genome position (GRCh38, 1-based): chr3:127,015,268, G>A. VCF-style: chr3-127015268-G-A. GRCh37 (hg19) VCF-style: chr3-126734111-G-A.
Other names: short protein forms A988T.
Identifiers: ClinVar variation 2313404 (VCV002313404.4), dbSNP rs750473154, ClinGen allele CA2593831.